The following is an entry in ClinVar:

NM_001018005.2(TPM1):c.575A>G (p.Glu192Gly)

Gene: TPM1 (tropomyosin 1; plus strand). Cytogenetic location: 15q22.2.
Variant type: single nucleotide variant.
Coding change: c.575A>G on transcript NM_001018005.2 (MANE Select); coding-DNA position 575, A replaced by G.
Protein change: p.Glu192Gly; replaces glutamic acid 192 with glycine.
Molecular consequence: missense variant. On other transcripts: intron variant (6).
Genome position (GRCh38, 1-based): chr15:63,061,724, A>G. VCF-style: chr15-63061724-A-G. GRCh37 (hg19) VCF-style: chr15-63353923-A-G.
Other names: c.575A>G, p.Glu192Gly (NM_001018004.2, NM_001018007.2, NM_001301244.2 and 7 more transcripts); c.467A>G, p.Glu156Gly (NM_001018008.2, NM_001301289.2, NM_001330346.2 and 3 more transcripts); c.701A>G, p.Glu234Gly (NM_001365778.1, NM_001407324.1); c.639+451A>G (NM_001018020.2, NM_001018006.2, NM_000366.6); c.531+451A>G (NM_001330351.2, NM_001330344.2, NM_001365781.2); short protein forms E234G, E156G, E192G.
Identifiers: ClinVar variation 1749465 (VCV001749465.2), dbSNP rs2542829457, ClinGen allele CA392724061.
Genomic context (GRCh38, chr15:63,061,724, plus strand): 5'-TTCCTTTGGCTTGTCTCCCACCCTTTCTGCCTCTGATCGAAAACATTAGCAAATGTGCCG[A>G]GCTTGAAGAAGAATTGAAAACTGTGACGAACAACTTGAAGTCACTGGAGGCTCAGGCTGA-3'
Protein context (NP_001018005.1, residues 182-202): RAELSEGKCA[Glu192Gly]LEEELKTVTN

ClinVar aggregate classification (germline): Uncertain significance (1 of 4 stars; one submission).

Conditions:
Cardiovascular phenotype. Identifiers: MedGen CN230736.

Submission:

Ambry Genetics
Classification: Uncertain significance for Cardiovascular phenotype. Last evaluated: 2021-10-29. Review status: criteria provided, single submitter. Criteria: Ambry Variant Classification Scheme 2023. Collection method: clinical testing. Allele origin: germline.
Comment: The p.E192G variant (also known as c.575A>G), located in coding exon 6 of the TPM1 gene, results from an A to G substitution at nucleotide position 575. The glutamic acid at codon 192 is replaced by glycine, an amino acid with similar properties. A different variant affecting this codon (p.E192K, c.574G>A) has been reported in association with hypertrophic cardiomyopathy (Deva DP et al. Radiology. 2013;269:68-7). This amino acid position is highly conserved in available vertebrate species. In addition, this alteration is predicted to be deleterious by in silico analysis. Since supporting evidence is limited at this time, the clinical significance of this alteration remains unclear.

Literature cited by the submitters: PubMed 23771913.